The following is an entry in ClinVar:

ClinVar aggregate classification (germline): Uncertain significance (1 of 4 stars; one submission).

Submission:

Dasa
Classification: Uncertain significance. Last evaluated: 2025-09-22. Review status: criteria provided, single submitter. Criteria: DASA Assertion Criteria. Collection method: clinical testing. Allele origin: germline.
Comment: NM_000350.3(ABCA4):c.6283-23C>G is an intronic variant. This variant is rare in population databases. The currently available literature and clinical evidence are not sufficient to establish a definitive association between this variant and the reported condition. Therefore, this variant is classified as a variant of uncertain significance.

NM_000350.3(ABCA4):c.6283-23C>G

Gene: ABCA4 (ATP binding cassette subfamily A member 4; minus strand). Cytogenetic location: 1p22.1.
Variant type: single nucleotide variant.
Coding change: c.6283-23C>G on transcript NM_000350.3 (MANE Select); 23 bases into the intron before coding-DNA position 6283, C replaced by G.
Molecular consequence: intron variant.
Genome position (GRCh38, 1-based): chr1:94,001,128, G>C on the plus strand (C>G on the coding strand, the complement: ABCA4 is on the minus strand). VCF-style: chr1-94001128-G-C. GRCh37 (hg19) VCF-style: chr1-94466684-G-C.
Other names: c.6061-23C>G (NM_001425324.1).
Identifiers: ClinVar variation 4881778 (VCV004881778.2).